The following is an entry in ClinVar:

NM_001134673.4(NFIA):c.*1A>G

Gene: NFIA (nuclear factor I A; plus strand). Cytogenetic location: 1p31.3.
Variant type: single nucleotide variant.
Coding change: c.*1A>G on transcript NM_001134673.4 (MANE Select); 1 bases downstream of the stop codon, A replaced by G.
Molecular consequence: 3 prime UTR variant. On other transcripts: missense variant (1).
Genome position (GRCh38, 1-based): chr1:61,455,321, A>G. VCF-style: chr1-61455321-A-G. GRCh37 (hg19) VCF-style: chr1-61920993-A-G.
Other names: c.*1A>G (NM_001145511.2, NM_001145512.2); c.1439A>G, p.Lys480Arg (NM_005595.5); c.1439A>G (NM_005595.4); short protein forms K480R.
Identifiers: ClinVar variation 2080325 (VCV002080325.29), dbSNP rs147410560, ClinGen allele CA881322.

ClinVar aggregate classification (germline): Likely benign. Review status: criteria provided, multiple submitters, no conflicts (2 of 4 stars). 3 submissions from 3 submitters: Likely benign (3). Last evaluated 2026-09-02.

Conditions:
NFIA-Related Disorder. Also called: NFIA-related condition; NFIA-related disorders. Identifiers: MedGen CN381099.

Allele frequency attached by ClinVar (database versions not stated): gnomAD exomes 0.00003; ExAC 0.00010; gnomAD 0.00034; TOPMed 0.00034; 1000 Genomes Project 0.00040; 1000 Genomes Project 30x 0.00062; ESP Exome Variant Server 0.00062.

Submissions (3):

PreventionGenetics, part of Exact Sciences
Classification: Likely benign for NFIA-related condition. Last evaluated: 2026-09-02. Review status: criteria provided, single submitter. Criteria: ACMG Guidelines, 2015. Collection method: clinical testing. Allele origin: germline.
Comment: This variant is classified as likely benign based on ACMG/AMP sequence variant interpretation guidelines (Richards et al. 2015 PMID: 25741868, with internal and published modifications).

Labcorp Genetics (formerly Invitae), Labcorp
Classification: Likely benign. Last evaluated: 2025-09-10. Review status: criteria provided, single submitter. Criteria: Invitae Variant Classification Sherloc (09022015). Collection method: clinical testing. Allele origin: germline.

CeGaT Center for Human Genetics Tuebingen
Classification: Likely benign. Last evaluated: 2023-03-01. Review status: criteria provided, single submitter. Criteria: CeGaT Center For Human Genetics Tuebingen Variant Classification Criteria Version 2. Collection method: clinical testing. Allele origin: germline. Affected: yes. Observed: 1 variant allele.
Comment: NFIA: PP2, BP4, BS1